The following is an entry in ClinVar:

ClinVar aggregate classification (germline): Uncertain significance (1 of 4 stars; one submission).

Conditions:
Global developmental delay with or without impaired intellectual development. Identifiers: MedGen C5193032, MONDO:0032680, OMIM 618330.

Submission:

Juno Genomics, Hangzhou Juno Genomics, Inc
Classification: Uncertain significance for Global developmental delay with or without impaired intellectual development. Review status: criteria provided, single submitter. Criteria: ACMG Guidelines, 2015. Collection method: clinical testing. Allele origin: germline. Affected: yes.
Comment: Absent from controls (or at extremely low frequency if recessive) in Genome Aggregation Database, Exome Sequencing Project, 1000 Genomes Project, or Exome Aggregation Consortium.;Protein length changes due to in-frame deletions/insertions in a non-repeat region or stop-loss variants.

NM_181552.4(CUX1):c.4294_4308dup (p.Ser1436_Ser1437insProAlaAlaProSer)

Gene: CUX1 (cut like homeobox 1; plus strand). Cytogenetic location: 7q22.1.
Variant type: Duplication.
Coding change: c.4294_4308dup on transcript NM_181552.4 (MANE Select); coding-DNA positions 4294 to 4308, 15 bases duplicated (CCCGCGGCCCCGAGC).
Protein change: p.Ser1436_Ser1437insProAlaAlaProSer.
Molecular consequence: inframe insertion. On other transcripts: intron variant (5).
Genome position (GRCh38, 1-based): chr7:102,248,818-102,248,832, CCCGCGGCCCCGAGC duplicated; duplicating any 15 consecutive bases within chr7:102,248,816-102,248,832 gives the same sequence; the c. name uses the placement nearest the transcript's 3' end. VCF-style (leftmost placement, unchanged base first): chr7-102248815-G-GGCCCCGCGGCCCCGA. GRCh37 (hg19) VCF-style: chr7-101892095-G-GGCCCCGCGGCCCCGA.
Other names: c.4327_4341dup, p.Ser1447_Ser1448insProAlaAlaProSer (NM_001202543.2); c.1256-24548_1256-24534dup (NM_001913.5); c.1250-24548_1250-24534dup (NM_181500.4); c.1118-24548_1118-24534dup (NM_001202545.3); c.1208-24548_1208-24534dup (NM_001202544.3); c.1139-24548_1139-24534dup (NM_001202546.3).
Identifiers: ClinVar variation 3383030 (VCV003383030.2).